The following is an entry in ClinVar:

ClinVar aggregate classification (germline): Uncertain significance (1 of 4 stars; one submission).

Conditions:
FOXP1-related disorder. Also called: FOXP1-related condition.

Allele frequency attached by ClinVar (database versions not stated): TOPMed 0.00001.
gnomAD v4.1: 2 of 1,598,322 alleles (0.00013%); highest among the groups gnomAD compares: Non-Finnish European, 0.00017%; no homozygotes.

Submission:

PreventionGenetics, part of Exact Sciences
Classification: Uncertain significance for FOXP1-related condition. Last evaluated: 2023-07-10. Review status: criteria provided, single submitter. Criteria: ACMG Guidelines, 2015. Collection method: clinical testing. Allele origin: germline.
Comment: The FOXP1 c.186+1G>C variant is predicted to disrupt the GT donor site and interfere with normal splicing. This variant corresponds to a deep intronic position in the primary transcript for this gene (NM_032682.5:c.181-17860G>C ). To our knowledge, this variant has not been reported in the literature or in a large population database, indicating this variant is rare. At this time, the clinical significance of this variant is uncertain due to the absence of conclusive functional and genetic evidence.

NM_001349338.3(FOXP1):c.181-17860G>C

Gene: FOXP1 (forkhead box P1; minus strand). Cytogenetic location: 3p13.
Variant type: single nucleotide variant.
Coding change: c.181-17860G>C on transcript NM_001349338.3 (MANE Select); 17860 bases into the intron before coding-DNA position 181, G replaced by C.
Molecular consequence: intron variant. On other transcripts: splice donor variant (3).
Genome position (GRCh38, 1-based): chr3:71,130,497, C>G on the plus strand (G>C on the coding strand, the complement: FOXP1 is on the minus strand). VCF-style: chr3-71130497-C-G. GRCh37 (hg19) VCF-style: chr3-71179648-C-G.
Other names: c.181-17860G>C (NM_001244810.2, NM_032682.6, NM_001349340.3 and 5 more transcripts); c.-121+1594G>C (NM_001349343.3, NM_001349342.3); c.-121+1G>C (NM_001349337.2, NM_001370548.1, NM_001244815.2).
Identifiers: ClinVar variation 2631487 (VCV002631487.1), dbSNP rs1465418388, ClinGen allele CA353564178.